The following is an entry in ClinVar:

ClinVar aggregate classification (germline): Uncertain significance. Review status: criteria provided, multiple submitters, no conflicts (2 of 4 stars). 2 submissions from 2 submitters: Uncertain significance (2). Last evaluated 2019-08-27.

Conditions:
Bethlem myopathy 1A. Also called: Bethlem Muscular Dystrophy; MYOPATHY, BENIGN CONGENITAL, WITH CONTRACTURES; Bethlem myopathy 1. Identifiers: Orphanet 610, MedGen CN029274, MONDO:0024530, OMIM 158810.

Allele frequency attached by ClinVar (database versions not stated): gnomAD exomes below 0.00001.
gnomAD v4.1: 2 of 1,606,524 alleles (0.00012%); highest among the groups gnomAD compares: South Asian, 0.0011%; no homozygotes.

Submissions (2):

Labcorp Genetics (formerly Invitae), Labcorp
Classification: Uncertain significance for Bethlem myopathy 1A. Last evaluated: 2019-08-27. Review status: criteria provided, single submitter. Criteria: Invitae Variant Classification Sherloc (09022015). Collection method: clinical testing. Allele origin: germline.
Comment: In summary, the available evidence is currently insufficient to determine the role of this variant in disease. Therefore, it has been classified as a Variant of Uncertain Significance. Algorithms developed to predict the effect of missense changes on protein structure and function are either unavailable or do not agree on the potential impact of this missense change (SIFT: "Deleterious"; PolyPhen-2: "Benign"; Align-GVGD: "Class C0"). This variant has not been reported in the literature in individuals with COL6A2-related conditions. ClinVar contains an entry for this variant (Variation ID: 291215). This variant is not present in population databases (ExAC no frequency). This sequence change replaces valine with alanine at codon 856 of the COL6A2 protein (p.Val856Ala). The valine residue is highly conserved and there is a small physicochemical difference between valine and alanine.

Eurofins Ntd Llc (ga)
Classification: Uncertain significance. Last evaluated: 2016-09-15. Review status: criteria provided, single submitter. Criteria: EGL Classification Definitions 2015. Collection method: clinical testing. Allele origin: germline. Observed: 1 variant allele, 1 heterozygote.

NM_001849.4(COL6A2):c.2567T>C (p.Val856Ala)

Gene: COL6A2 (collagen type VI alpha 2 chain; plus strand). Cytogenetic location: 21q22.3.
Variant type: single nucleotide variant.
Coding change: c.2567T>C on transcript NM_001849.4 (MANE Select); coding-DNA position 2567, T replaced by C.
Protein change: p.Val856Ala; replaces valine 856 with alanine.
Molecular consequence: missense variant.
Genome position (GRCh38, 1-based): chr21:46,132,059, T>C. VCF-style: chr21-46132059-T-C. GRCh37 (hg19) VCF-style: chr21-47551973-T-C.
Other names: short protein forms V856A.
Identifiers: ClinVar variation 291215 (VCV000291215.14), dbSNP rs886044689, ClinGen allele CA10607062.